The following is an entry in ClinVar:

ClinVar aggregate classification (germline): Benign/Likely benign. Review status: criteria provided, multiple submitters, no conflicts (2 of 4 stars). 5 submissions from 5 submitters: Benign (1); Likely benign (3). 1 of the submissions does not count toward it. Last evaluated 2026-01-24.

Conditions:
FRAS1-related disorder. Also called: FRAS1-related condition.
Fraser syndrome 1 (FRASRS1). Also called: CRYPTOPHTHALMOS WITH OTHER MALFORMATIONS. Identifiers: Orphanet 2052, MedGen C4551480, MONDO:0054737, OMIM 219000.

Allele frequency attached by ClinVar (database versions not stated): gnomAD 0.00016 and 0.00023; TOPMed 0.00023; ExAC 0.00038; gnomAD exomes 0.00038; 1000 Genomes Project 30x 0.00125; 1000 Genomes Project 0.00160.
gnomAD v4.1: 190 of 1,578,428 alleles (0.012%); highest among the groups gnomAD compares: East Asian, 0.25%; 3 homozygotes.

Submissions (5):

Labcorp Genetics (formerly Invitae), Labcorp
Classification: Benign. Last evaluated: 2026-01-24. Review status: criteria provided, single submitter. Criteria: Invitae Variant Classification Sherloc (09022015). Collection method: clinical testing. Allele origin: germline.

Blueprint Genetics
Classification: Likely benign. Last evaluated: 2024-10-23. Review status: criteria provided, single submitter. Criteria: ACMG Guidelines, 2015. Collection method: clinical testing. Allele origin: germline.

Fulgent Genetics
Classification: Likely benign for Fraser syndrome 1. Last evaluated: 2021-10-14. Review status: criteria provided, single submitter. Criteria: ACMG Guidelines, 2015. Collection method: clinical testing. Allele origin: unknown.

Eurofins Ntd Llc (ga)
Classification: Likely benign. Last evaluated: 2015-01-28. Review status: criteria provided, single submitter. Criteria: EGL Classification Definitions 2015. Collection method: clinical testing. Allele origin: germline. Observed: 1 variant allele, 1 heterozygote.

PreventionGenetics, part of Exact Sciences
Classification: Likely benign for FRAS1-related condition. Last evaluated: 2019-06-05. Review status: no assertion criteria provided. Collection method: clinical testing. Allele origin: germline. Not counted in ClinVar's aggregate classification.
Comment: This variant is classified as likely benign based on ACMG/AMP sequence variant interpretation guidelines (Richards et al. 2015 PMID: 25741868, with internal and published modifications).

NM_025074.7(FRAS1):c.4308+10G>T

Gene: FRAS1 (Fraser extracellular matrix complex subunit 1; plus strand). Cytogenetic location: 4q21.21.
Variant type: single nucleotide variant.
Coding change: c.4308+10G>T on transcript NM_025074.7 (MANE Select); 10 bases into the intron after coding-DNA position 4308, G replaced by T.
Molecular consequence: intron variant.
Genome position (GRCh38, 1-based): chr4:78,407,851, G>T. VCF-style: chr4-78407851-G-T. GRCh37 (hg19) VCF-style: chr4-79329005-G-T.
Other names: c.4308+10G>T (NM_001166133.2).
Identifiers: ClinVar variation 196712 (VCV000196712.22), dbSNP rs146718957, ClinGen allele CA202522.